The following is an entry in ClinVar:

ClinVar aggregate classification (germline): Conflicting classifications of pathogenicity. Review status: criteria provided, conflicting classifications (1 of 4 stars). 16 submissions from 16 submitters: Uncertain significance (10); Likely benign (3). 3 of the submissions do not count toward it. Last evaluated 2026-01-26.

Conditions:
Breast and/or ovarian cancer. Identifiers: MedGen CN221562.
Hereditary breast ovarian cancer syndrome. Also called: Hereditary breast and ovarian cancer syndrome; Hereditary breast and ovarian cancer; Hereditary breast and ovarian cancer syndrome (HBOC); Breast and ovarian cancer; Hereditary breast and/or ovarian cancer syndrome; BRCA1- and BRCA2-Associated Hereditary Breast and Ovarian Cancer. Identifiers: Orphanet 145, MedGen C0677776, MeSH D061325, MONDO:0003582. Disease mechanism: loss of function.
Familial cancer of breast. Also called: BREAST CANCER, FAMILIAL; Hereditary breast cancer; hereditary breast carcinoma. Identifiers: Orphanet 227535, MedGen C0346153, MONDO:0016419, OMIM 114480. Disease mechanism: loss of function.
BRCA2-related disorder. Also called: BRCA2-related condition; BRCA2-related disorders. Identifiers: MedGen CN239275.
BRCA2-related cancer predisposition. Identifiers: MedGen CN377758, MONDO:0700269.
Hereditary cancer-predisposing syndrome. Also called: Neoplastic Syndromes, Hereditary; Tumor predisposition; Hereditary neoplastic syndrome; Hereditary Cancer Syndrome. Identifiers: Orphanet 140162, MedGen C0027672, MeSH D009386, MONDO:0015356.
Breast-ovarian cancer, familial, susceptibility to, 2 (BROVCA2). Also called: BRCA2 Hereditary Breast and Ovarian Cancer. Identifiers: Orphanet 145, MedGen C2675520, MONDO:0012933, OMIM 612555. Disease mechanism: loss of function.

Allele frequency attached by ClinVar (database versions not stated): TOPMed 0.00001; ExAC 0.00003; gnomAD exomes 0.00003.
gnomAD v4.1: 17 of 1,613,344 alleles (0.0011%); highest among the groups gnomAD compares: Middle Eastern, 0.017%; no homozygotes.

Submissions 1 to 7 of 16:

Labcorp Genetics (formerly Invitae), Labcorp
Classification: Uncertain significance for Hereditary breast ovarian cancer syndrome. Last evaluated: 2026-01-26. Review status: criteria provided, single submitter. Criteria: Invitae Variant Classification Sherloc (09022015). Collection method: clinical testing. Allele origin: germline.
Comment: This sequence change replaces alanine, which is neutral and non-polar, with valine, which is neutral and non-polar, at codon 3029 of the BRCA2 protein (p.Ala3029Val). This variant is present in population databases (rs80359162, gnomAD 0.02%). This missense change has been observed in individual(s) with acute lymphoblastic leukemia (PMID: 31102422). ClinVar contains an entry for this variant (Variation ID: 52744). Invitae Evidence Modeling incorporating data from in vitro experimental studies (PMID: 33609447) indicates that this missense variant is not expected to disrupt BRCA2 function with a negative predictive value of 95%. Experimental studies have shown that this missense change does not substantially affect BRCA2 function (PMID: 29884841). RNA analysis performed to evaluate the impact of this missense change on mRNA splicing indicates it does not significantly alter splicing (internal data). In summary, the available evidence is currently insufficient to determine the role of this variant in disease. Therefore, it has been classified as a Variant of Uncertain Significance.

Color Diagnostics, LLC DBA Color Health
Classification: Uncertain significance for Hereditary cancer-predisposing syndrome. Last evaluated: 2025-01-14. Review status: criteria provided, single submitter. Criteria: ACMG Guidelines, 2015. Collection method: clinical testing. Allele origin: germline.
Comment: This missense variant replaces alanine with valine at codon 3029 of the BRCA2 protein. Splice site prediction tools suggest that this variant may impact RNA splicing. Functional studies have reported that this protein variant does not impact BRCA2 function in homology-directed DNA repair assays (PMID: 29884841, 33609447, 35736817). However to our knowledge, the impact of this variant on RNA processing has not been reported. This variant has been reported in an individual affected with leukemia, and it has been detected in a breast cancer case-control meta-analysis in 1/60466 cases and 0/53461 unaffected individuals (PMID: 31102422, 33471991; Leiden Open Variation Database DB-ID BRCA2_000401). This variant has been identified in 8/249594 chromosomes in the general population by the Genome Aggregation Database (gnomAD). The available evidence is insufficient to determine the role of this variant in disease conclusively. Therefore, this variant is classified as a Variant of Uncertain Significance.

ARUP Laboratories, Molecular Genetics and Genomics, ARUP Laboratories
Classification: Uncertain significance. Last evaluated: 2024-07-11. Review status: criteria provided, single submitter. Criteria: ARUP Molecular Germline Variant Investigation Process 2024. Collection method: clinical testing. Allele origin: germline.
Comment: The BRCA2 c.9086C>T; p.Ala3029Val variant (rs80359162, ClinVar Variation ID: 52744) is reported in the literature in an individual affected with acute lymphoblastic leukemia (de Smith 2019). This variant is found in the Admixed American population with an allele frequency of 0.02% (7/34,468 alleles) in the Genome Aggregation Database (v2.1.1). Computational analyses (SpliceAI: 0.3) predict that this variant may impact splicing by weakening the nearby canonical donor splice site. Functional analyses of the variant protein using a homology directed repair assay show a neutral effect (Hart 2019, Hu 2022, Richardson 2021). Due to limited information, the clinical significance of this variant is uncertain at this time. References: de Smith AJ et al. Predisposing germline mutations in high hyperdiploid acute lymphoblastic leukemia in children. Genes Chromosomes Cancer. 2019 Oct;58(10):723-730. PMID: 31102422. Hart SN et al. Comprehensive annotation of BRCA1 and BRCA2 missense variants by functionally validated sequence-based computational prediction models. Genet Med. 2019 Jan;21(1):71-80. PMID: 29884841. Hu C et al. Classification of BRCA2 Variants of Uncertain Significance (VUS) Using an ACMG/AMP Model Incorporating a Homology-Directed Repair (HDR) Functional Assay. Clin Cancer Res. 2022 Sep 1;28(17):3742-3751. PMID: 35736817. Richardson ME et al. Strong functional data for pathogenicity or neutrality classify BRCA2 DNA-binding-domain variants of uncertain significance. Am J Hum Genet. 2021 Mar 4;108(3):458-468. PMID: 33609447.

All of Us Research Program, National Institutes of Health
Classification: Uncertain significance for BRCA2-related cancer predisposition. Last evaluated: 2024-03-05. Review status: criteria provided, single submitter. Criteria: ACMG Guidelines, 2015. Collection method: clinical testing. Allele origin: germline. Inheritance: Autosomal dominant inheritance. Observed: 3 variant alleles, 3 heterozygotes.
Comment: This missense variant replaces alanine with valine at codon 3029 of the BRCA2 protein. Computational prediction suggests that this variant may not impact protein structure and function (internally defined REVEL score threshold <= 0.5, PMID: 27666373). A functional study has reported that this variant does not impact BRCA2 function in a homology-directed repair assay (PMID: 29884841, 35736817). This variant has been reported in an individual affected with breast cancer and another individual affected with leukemia (PMID: 31102422, 33471991; Leiden Open Variation Database DB-ID BRCA2_000401).This variant has been identified in 8/249594 chromosomes in the general population by the Genome Aggregation Database (gnomAD). The available evidence is insufficient to determine the role of this variant in disease conclusively. Therefore, this variant is classified as a Variant of Uncertain Significance.

This study involves interpretation of variants in research participants for the purpose of population health screening. Participant phenotype was not available at the time of variant classification. Additional details can be found in publication PMID: 35346344, PMCID: PMC8962531

Baylor Genetics
Classification: Uncertain significance for Familial cancer of breast. Last evaluated: 2023-11-19. Review status: criteria provided, single submitter. Criteria: ACMG Guidelines, 2015. Collection method: clinical testing. Allele origin: unknown.

KCCC/NGS Laboratory, Kuwait Cancer Control Center
Classification: Uncertain significance for Breast-ovarian cancer, familial, susceptibility to, 2. Last evaluated: 2023-11-13. Review status: criteria provided, single submitter. Criteria: ACMG Guidelines, 2015. Collection method: clinical testing. Allele origin: germline. Inheritance: Autosomal dominant inheritance. Affected: yes. Observed: 1 heterozygote.
Comment: This sequence change replaces alanine, which is neutral and non-polar, with valine, which is neutral and non-polar, at codon 3029 of the BRCA2 protein (p.Ala3029Val). This variant is present in population databases (rs80359162, gnomAD 0.02%). This variant has been reported in an individual affected with breast cancer and another individual affected with leukemia (PMID: 31102422, 33471991; Leiden Open Variation Database DB-ID BRCA2_000401). Eight other ClinVar submitters (evaluation after 2014) cite the variant as uncertain significance. (Variation ID: 52744) . A functional study has reported that this variant does not impact BRCA1 function in a homology-directed repair assay (PMID: 29884841).in-silico tools predict a damaging effect of the variant on protein function.. In summary, the available evidence is currently insufficient to determine the role of this variant in disease. Therefore, it has been classified as a Variant of Uncertain Significance.

PreventionGenetics, part of Exact Sciences
Classification: Uncertain significance for BRCA2-related condition. Last evaluated: 2023-06-06. Review status: criteria provided, single submitter. Criteria: ACMG Guidelines, 2015. Collection method: clinical testing. Allele origin: germline.
Comment: The BRCA2 c.9086C>T variant is predicted to result in the amino acid substitution p.Ala3029Val. This variant has been reported in an individual with acute lymphoblastic leukemia (Table S1, de Smith et al. 2019. PubMed ID: 31102422). This variant is reported in 0.020% of alleles in individuals of Latino descent in gnomAD. IT is interpreted as uncertain significance in ClinVar. At this time, the clinical significance of this variant is uncertain due to the absence of conclusive functional and genetic evidence.

NM_000059.4(BRCA2):c.9086C>T (p.Ala3029Val)

Gene: BRCA2 (BRCA2 DNA repair associated; plus strand). Cytogenetic location: 13q13.1.
Variant type: single nucleotide variant.
Coding change: c.9086C>T on transcript NM_000059.4 (MANE Select); coding-DNA position 9086, C replaced by T.
Protein change: p.Ala3029Val; replaces alanine 3029 with valine.
Molecular consequence: missense variant.
Genome position (GRCh38, 1-based): chr13:32,379,882, C>T. VCF-style: chr13-32379882-C-T. GRCh37 (hg19) VCF-style: chr13-32954019-C-T.
Other names: short protein forms A3029V.
Identifiers: ClinVar variation 52744 (VCV000052744.39), dbSNP rs80359162, ClinGen allele CA025966.
Genomic context (GRCh38, chr13:32,379,882, plus strand): 5'-ATCATCTTGCAACTTCAAAATCTAAAAGTAAATCTGAAAGAGCTAACATACAGTTAGCAG[C>T]GACAAAAAAAACTCAGTATCAACAACTACCGGTACAAACCTTTCATTGTAATTTTTCAGT-3'
Protein context (NP_000050.3, residues 3019-3039): KSERANIQLA[Ala3029Val]TKKTQYQQLP